The following is an entry in ClinVar:

ClinVar aggregate classification (germline): Conflicting classifications of pathogenicity. Review status: criteria provided, conflicting classifications (1 of 4 stars). 9 submissions from 6 submitters: Uncertain significance (3); Likely benign (6). Last evaluated 2026-02-02.

Conditions:
Neurofibromatosis, type 1 (NF1). Also called: Neurofibromatosis, type I; Peripheral type neurofibromatosis; NEUROFIBROMATOSIS, TYPE I, SOMATIC; VON RECKLINGHAUSEN DISEASE. Identifiers: Orphanet 636, MedGen C0027831, MONDO:0018975, OMIM 162200. Disease mechanism: loss of function.
Hereditary cancer-predisposing syndrome. Also called: Tumor predisposition; Neoplastic Syndromes, Hereditary; Hereditary Cancer Syndrome; Hereditary neoplastic syndrome. Identifiers: Orphanet 140162, MedGen C0027672, MeSH D009386, MONDO:0015356.
Neurofibromatosis-Noonan syndrome (NFNS). Also called: NEUROFIBROMATOSIS WITH NOONAN PHENOTYPE. Identifiers: Orphanet 638, MedGen C2931482, MONDO:0011035, OMIM 601321. Disease mechanism: loss of function.
Café-au-lait macules with pulmonary stenosis (WTSN). Also called: PULMONIC STENOSIS WITH CAFE-AU-LAIT SPOTS. Identifiers: MedGen C0553586, MONDO:0008672, OMIM 193520.
Neurofibromatosis, familial spinal (FSNF). Identifiers: Orphanet 636, MedGen C1834235, MONDO:0008078, OMIM 162210. Disease mechanism: loss of function.

Allele frequency attached by ClinVar (database versions not stated): ExAC 0.00006; TOPMed 0.00006; gnomAD exomes 0.00008 and 0.00019; gnomAD 0.00009; ESP Exome Variant Server 0.00015.
gnomAD v4.1: 281 of 1,612,590 alleles (0.017%); highest among the groups gnomAD compares: Non-Finnish European, 0.023%; no homozygotes.

Submissions (9):

Labcorp Genetics (formerly Invitae), Labcorp
Classification: Likely benign for Neurofibromatosis, type 1. Last evaluated: 2026-02-02. Review status: criteria provided, single submitter. Criteria: Invitae Variant Classification Sherloc (09022015). Collection method: clinical testing. Allele origin: germline.

Blueprint Genetics
Classification: Likely benign. Last evaluated: 2021-12-23. Review status: criteria provided, single submitter. Criteria: ACMG Guidelines, 2015. Collection method: clinical testing. Allele origin: germline.

Sema4
Classification: Likely benign for Hereditary cancer-predisposing syndrome. Last evaluated: 2021-03-05. Review status: criteria provided, single submitter. Criteria: Sema4 Curation Guidelines. Collection method: curation. Allele origin: germline.

PreventionGenetics, part of Exact Sciences
Classification: Likely benign. Last evaluated: 2018-01-24. Review status: criteria provided, single submitter. Criteria: ACMG Guidelines, 2015. Collection method: clinical testing. Allele origin: germline.

Illumina Laboratory Services, Illumina
Classification: Uncertain significance for Neurofibromatosis, familial spinal. Last evaluated: 2018-01-12. Review status: criteria provided, single submitter. Criteria: ICSL Variant Classification Criteria 13 December 2019. Collection method: clinical testing. Allele origin: germline.

Illumina Laboratory Services, Illumina
Classification: Likely benign for Neurofibromatosis-Noonan syndrome. Last evaluated: 2018-01-12. Review status: criteria provided, single submitter. Criteria: ICSL Variant Classification Criteria 13 December 2019. Collection method: clinical testing. Allele origin: germline.
Comment: This variant was observed in the ICSL laboratory as part of a predisposition screen in an ostensibly healthy population. It had not been previously curated by ICSL or reported in the Human Gene Mutation Database (HGMD: prior to June 1st, 2018), and was therefore a candidate for classification through an automated scoring system. Utilizing variant allele frequency, disease prevalence and penetrance estimates, and inheritance mode, an automated score was calculated to assess if this variant is too frequent to cause the disease. Based on the score and internal cut-off values, a variant classified as likely benign is not then subjected to further curation. The score for this variant resulted in a classification of likely benign for this disease.

Illumina Laboratory Services, Illumina
Classification: Uncertain significance for Neurofibromatosis, type 1. Last evaluated: 2018-01-12. Review status: criteria provided, single submitter. Criteria: ICSL Variant Classification Criteria 13 December 2019. Collection method: clinical testing. Allele origin: germline.

Illumina Laboratory Services, Illumina
Classification: Uncertain significance for Café-au-lait macules with pulmonary stenosis. Last evaluated: 2018-01-12. Review status: criteria provided, single submitter. Criteria: ICSL Variant Classification Criteria 13 December 2019. Collection method: clinical testing. Allele origin: germline.

Laboratory for Molecular Medicine, Mass General Brigham Personalized Medicine
Classification: Likely benign. Last evaluated: 2015-10-13. Review status: criteria provided, single submitter. Criteria: LMM Criteria. Collection method: clinical testing. Allele origin: germline. Observed: 2 variant alleles.
Comment: c.4724+11A>G in intron 35 of NF1: This variant is not expected to have clinical significance because it is not located within the conserved splice consensus seq uence. It has been identified in 6/66452 European chromosomes by the Exome Aggre gation Consortium (ExAC).

NM_001042492.3(NF1):c.4724+11A>G

Gene: NF1 (neurofibromin 1; plus strand). Cytogenetic location: 17q11.2.
Variant type: single nucleotide variant.
Coding change: c.4724+11A>G on transcript NM_001042492.3 (MANE Select); 11 bases into the intron after coding-DNA position 4724, A replaced by G.
Molecular consequence: intron variant.
Genome position (GRCh38, 1-based): chr17:31,261,868, A>G. VCF-style: chr17-31261868-A-G. GRCh37 (hg19) VCF-style: chr17-29588886-A-G.
Other names: c.4661+11A>G (NM_000267.4).
Identifiers: ClinVar variation 227742 (VCV000227742.19), dbSNP rs368649260, ClinGen allele CA8486455.